The following is an entry in ClinVar:

NM_003924.4(PHOX2B):c.100A>G (p.Ser34Gly)

Genes: PHOX2B-AS1 (PHOX2B antisense RNA 1; plus strand), PHOX2B (paired like homeobox 2B; minus strand). Cytogenetic location: 4p13.
Variant type: single nucleotide variant.
Coding change: c.100A>G on transcript NM_003924.4 (MANE Select); coding-DNA position 100, A replaced by G.
Protein change: p.Ser34Gly; replaces serine 34 with glycine.
Molecular consequence: missense variant.
Genome position (GRCh38, 1-based): chr4:41,748,511, T>C on the plus strand (A>G on the coding strand, the complement: PHOX2B is on the minus strand). VCF-style: chr4-41748511-T-C. GRCh37 (hg19) VCF-style: chr4-41750528-T-C.
Other names: c.100A>G (NM_003924.3); short protein forms S34G.
Identifiers: ClinVar variation 1420759 (VCV001420759.10), dbSNP rs1733985253, ClinGen allele CA356741091.

ClinVar aggregate classification (germline): Uncertain significance. Review status: criteria provided, multiple submitters, no conflicts (2 of 4 stars). 2 submissions from 2 submitters: Uncertain significance (2). Last evaluated 2025-01-10.

Conditions:
Haddad syndrome (OHD). Also called: Ondine-Hirschsprung disease. Identifiers: Orphanet 99803, MedGen C1859049, MONDO:0020493.
Hereditary cancer-predisposing syndrome. Also called: Neoplastic Syndromes, Hereditary; Hereditary Cancer Syndrome; Hereditary neoplastic syndrome; Tumor predisposition. Identifiers: Orphanet 140162, MedGen C0027672, MeSH D009386, MONDO:0015356.

Allele frequency attached by ClinVar (database versions not stated): TOPMed below 0.00001.

Submissions (2):

Ambry Genetics
Classification: Uncertain significance for Hereditary cancer-predisposing syndrome. Last evaluated: 2025-01-10. Review status: criteria provided, single submitter. Criteria: Ambry Variant Classification Scheme 2023. Collection method: clinical testing. Allele origin: germline.
Comment: The p.S34G variant (also known as c.100A>G), located in coding exon 1 of the PHOX2B gene, results from an A to G substitution at nucleotide position 100. The serine at codon 34 is replaced by glycine, an amino acid with similar properties. This amino acid position is highly conserved in available vertebrate species. In addition, this alteration is predicted to be tolerated by in silico analysis. Based on the available evidence, the clinical significance of this variant remains unclear.

Labcorp Genetics (formerly Invitae), Labcorp
Classification: Uncertain significance for Haddad syndrome. Last evaluated: 2021-01-07. Review status: criteria provided, single submitter. Criteria: Invitae Variant Classification Sherloc (09022015). Collection method: clinical testing. Allele origin: germline.
Comment: This variant has not been reported in the literature in individuals with PHOX2B-related conditions. This variant is not present in population databases (ExAC no frequency). This sequence change replaces serine with glycine at codon 34 of the PHOX2B protein (p.Ser34Gly). The serine residue is highly conserved and there is a small physicochemical difference between serine and glycine. Algorithms developed to predict the effect of missense changes on protein structure and function are either unavailable or do not agree on the potential impact of this missense change (SIFT: "Deleterious"; PolyPhen-2: "Benign"; Align-GVGD: "Class C55"). In summary, the available evidence is currently insufficient to determine the role of this variant in disease. Therefore, it has been classified as a Variant of Uncertain Significance.